The following is an entry in ClinVar:

NM_004260.4(RECQL4):c.796G>C (p.Glu266Gln)

Gene: RECQL4 (RecQ like helicase 4; minus strand). Cytogenetic location: 8q24.3.
Variant type: single nucleotide variant.
Coding change: c.796G>C on transcript NM_004260.4 (MANE Select); coding-DNA position 796, G replaced by C.
Protein change: p.Glu266Gln; replaces glutamic acid 266 with glutamine.
Molecular consequence: missense variant. On other transcripts: 5 prime UTR variant (17), non-coding transcript variant (3).
Genome position (GRCh38, 1-based): chr8:144,516,323, C>G on the plus strand (G>C on the coding strand, the complement: RECQL4 is on the minus strand). VCF-style: chr8-144516323-C-G. GRCh37 (hg19) VCF-style: chr8-145741707-C-G.
Other names: c.-276G>C (NM_001413040.1, NM_001413042.1, NM_001413021.1 and 7 more transcripts); c.-338G>C (NM_001413041.1, NM_001413027.1, NM_001413030.1 and 2 more transcripts); c.-545G>C (NM_001413043.1); c.796G>C, p.Glu266Gln (NM_001413017.1, NM_001413018.1, NM_001413019.1 and 4 more transcripts); c.667G>C, p.Glu223Gln (NM_001413025.1); c.445G>C, p.Glu149Gln (NM_001413029.1); c.-180G>C (NM_001413034.1); short protein forms E149Q, E223Q, E266Q.
Identifiers: ClinVar variation 4863158 (VCV004863158.1).

ClinVar aggregate classification (germline): Uncertain significance (1 of 4 stars; one submission).

Conditions:
Inborn genetic diseases. Identifiers: MedGen C0950123, MeSH D030342.

Submission:

Ambry Genetics
Classification: Uncertain significance for Inborn genetic diseases. Last evaluated: 2026-04-03. Review status: criteria provided, single submitter. Criteria: Ambry Variant Classification Scheme 2023. Collection method: clinical testing. Allele origin: germline.
Comment: The p.E266Q variant (also known as c.796G>C), located in coding exon 5 of the RECQL4 gene, results from a G to C substitution at nucleotide position 796. The glutamic acid at codon 266 is replaced by glutamine, an amino acid with highly similar properties. This amino acid position is conserved. In addition, this alteration is predicted to be tolerated by in silico analysis. Based on the available evidence, the clinical significance of this variant remains unclear.